The following is an entry in ClinVar:

ClinVar aggregate classification (germline): Uncertain significance (1 of 4 stars; one submission).

Submission:

GeneDx
Classification: Uncertain significance. Last evaluated: 2025-08-13. Review status: criteria provided, single submitter. Criteria: GeneDx Variant Classification Process June 2021. Collection method: clinical testing. Allele origin: germline. Affected: yes.
Comment: Not observed at significant frequency in large population cohorts (gnomAD); In silico analysis supports that this missense variant has a deleterious effect on protein structure/function; Has not been previously published as pathogenic or benign to our knowledge

NM_138927.4(SON):c.2357T>C (p.Leu786Ser)

Gene: SON (SON DNA and RNA binding protein; plus strand). Cytogenetic location: 21q22.11.
Variant type: single nucleotide variant.
Coding change: c.2357T>C on transcript NM_138927.4 (MANE Select); coding-DNA position 2357, T replaced by C.
Protein change: p.Leu786Ser; replaces leucine 786 with serine.
Molecular consequence: missense variant. On other transcripts: non-coding transcript variant (1), intron variant (1).
Genome position (GRCh38, 1-based): chr21:33,551,588, T>C. VCF-style: chr21-33551588-T-C. GRCh37 (hg19) VCF-style: chr21-34923894-T-C.
Other names: c.2357T>C, p.Leu786Ser (NM_001291411.2, NM_032195.3); c.244+5209T>C (NM_001291412.3); short protein forms L786S.
Identifiers: ClinVar variation 4795657 (VCV004795657.1).